The following is an entry in ClinVar:

ClinVar aggregate classification (germline): Pathogenic. Review status: criteria provided, multiple submitters, no conflicts (2 of 4 stars). 3 submissions from 3 submitters: Pathogenic (3). Last evaluated 2024-02-22.

Conditions:
Fabry disease. Also called: Fabry's disease; CERAMIDE TRIHEXOSIDASE DEFICIENCY; Angiokeratoma corporis diffusum; GLA DEFICIENCY; HEREDITARY DYSTOPIC LIPIDOSIS; ALPHA-GALACTOSIDASE A DEFICIENCY. Identifiers: Orphanet 324, MedGen C0002986, MONDO:0010526, OMIM 301500, HP:0001071. Disease mechanism: loss of function, Fabry disease is due to inactivating mutations in the X-linked GLA gene resulting in deficiency of the enzyme Alpha Galactosidase-A..

Submissions (3):

Women's Health and Genetics/Laboratory Corporation of America, LabCorp
Classification: Pathogenic for Fabry disease. Last evaluated: 2024-02-22. Review status: criteria provided, single submitter. Criteria: LabCorp Variant Classification Summary - May 2015. Collection method: clinical testing. Allele origin: germline.
Comment: Variant summary: GLA c.959_962delATCA (p.Asn320ArgfsX27) results in a premature termination codon, predicted to cause a truncation of the encoded protein, which is a commonly known mechanism for disease. Truncations downstream of this position have been classified as pathogenic by our laboratory (example: c.994dupA p.Arg332LysfsX7, c.1033_1034delTC p.Ser345ArgfsX29). The variant was absent in 183503 control chromosomes. To our knowledge, no occurrence of c.959_962delATCA in individuals affected with Fabry Disease and no experimental evidence demonstrating its impact on protein function have been reported. ClinVar contains an entry for this variant (Variation ID: 92571). Based on the evidence outlined above, the variant was classified as pathogenic.

Genome-Nilou Lab
Classification: Pathogenic for Fabry disease. Last evaluated: 2021-07-15. Review status: criteria provided, single submitter. Criteria: ACMG Guidelines, 2015. Collection method: clinical testing. Allele origin: germline. Affected: no.

Eurofins Ntd Llc (ga)
Classification: Pathogenic. Last evaluated: 2013-08-30. Review status: criteria provided, single submitter. Criteria: EGL Classification Definitions 2015. Collection method: clinical testing. Allele origin: germline. Observed: 2 variant alleles, 2 hemizygotes.

NM_000169.3(GLA):c.959_962del (p.Asn320fs)

Genes: GLA (galactosidase alpha; minus strand), RPL36A-HNRNPH2 (RPL36A-HNRNPH2 readthrough; plus strand). Cytogenetic location: Xq22.1.
Variant type: Microsatellite.
Coding change: c.959_962del on transcript NM_000169.3 (MANE Select); coding-DNA positions 959 to 962, 4 bases deleted (ATCA; older notation c.959_962delATCA).
Protein change: p.Asn320fs; shifts the reading frame from asparagine 320.
Molecular consequence: frameshift variant. On other transcripts: non-coding transcript variant (3), intron variant (2).
Genome position (GRCh38, 1-based): chrX:101,398,407-101,398,410, TGAT deleted on the plus strand (ATCA on the coding strand, the reverse complement: GLA is on the minus strand); deleting any 4 consecutive bases within chrX:101,398,407-101,398,414 gives the same sequence; the c. name uses the placement nearest the transcript's 3' end. VCF-style (leftmost placement, unchanged base first): chrX-101398406-CTGAT-C. GRCh37 (hg19) VCF-style: chrX-100653394-CTGAT-C.
Other names: c.959_962delATCA (NM_000169.2, NM_000169.3); c.1082_1085del, p.Asn361fs (NM_001406747.1); c.959_962del, p.Asn320fs (NM_001406748.1); c.300+2954_300+2957del (NM_001199973.2); c.177+6589_177+6592del (NM_001199974.2); short protein forms N320fs, N361fs.
Identifiers: ClinVar variation 92571 (VCV000092571.10), dbSNP rs398123225, ClinGen allele CA022214.
Genomic context (GRCh38, chrX:101,398,406, plus strand): 5'-CTTAAAATATATACTCTTATTTACCTGTCTAAGCTGGTACCCTTGCTTGCCCAAGGGGTC[CTGAT>C]TGATGGCAATTACGTCCTTATCCTGAAGGAGAGCTTTGGCTTGAGGGCTGATGTGTCGGA-3'